The following is an entry in ClinVar:

NM_000492.4(CFTR):c.1759T>G (p.Phe587Val)

Gene: CFTR (CF transmembrane conductance regulator; plus strand). Cytogenetic location: 7q31.2.
Variant type: single nucleotide variant.
Coding change: c.1759T>G on transcript NM_000492.4 (MANE Select); coding-DNA position 1759, T replaced by G.
Protein change: p.Phe587Val; replaces phenylalanine 587 with valine.
Molecular consequence: missense variant.
Genome position (GRCh38, 1-based): chr7:117,590,432, T>G. VCF-style: chr7-117590432-T-G. GRCh37 (hg19) VCF-style: chr7-117230486-T-G.
Other names: short protein forms F587V.
Identifiers: ClinVar variation 4074496 (VCV004074496.2).

ClinVar aggregate classification (germline): Uncertain significance. Review status: criteria provided, multiple submitters, no conflicts (2 of 4 stars). 2 submissions from 2 submitters: Uncertain significance (2). Last evaluated 2026-08-07.

Conditions:
Cystic fibrosis (CF). Also called: MUCOVISCIDOSIS. Identifiers: Orphanet 586, MedGen C0010674, MONDO:0009061, OMIM 219700. Disease mechanism: loss of function.

Submissions (2):

Ambry Genetics
Classification: Uncertain significance for Cystic fibrosis. Last evaluated: 2026-08-07. Review status: criteria provided, single submitter. Criteria: Ambry Variant Classification Scheme 2023. Collection method: clinical testing. Allele origin: germline.
Comment: The p.F587V variant (also known as c.1759T>G), located in coding exon 13 of the CFTR gene, results from a T to G substitution at nucleotide position 1759. The phenylalanine at codon 587 is replaced by valine, an amino acid with highly similar properties. This amino acid position is highly conserved in available vertebrate species. In addition, this alteration is predicted to be deleterious by in silico analysis. Based on the available evidence, the clinical significance of this variant remains unclear.

GeneDx
Classification: Uncertain significance. Last evaluated: 2025-02-05. Review status: criteria provided, single submitter. Criteria: GeneDx Variant Classification Process June 2021. Collection method: clinical testing. Allele origin: germline. Affected: yes.
Comment: Not observed at significant frequency in large population cohorts (gnomAD); In silico analysis supports that this missense variant has a deleterious effect on protein structure/function; Has not been previously published as pathogenic or benign to our knowledge